The following is an entry in ClinVar:

ClinVar aggregate classification (germline): Uncertain significance. Review status: criteria provided, multiple submitters, no conflicts (2 of 4 stars). 2 submissions from 2 submitters: Uncertain significance (2). Last evaluated 2024-09-09.

Conditions:
Gorlin syndrome. Also called: Nevoid Basal Cell Carcinoma Syndrome; Basal cell nevus syndrome. Identifiers: Orphanet 377, MedGen C0004779, MONDO:0007187.

Allele frequency attached by ClinVar (database versions not stated): gnomAD exomes below 0.00001; gnomAD 0.00001; TOPMed 0.00001.
gnomAD v4.1: 3 of 1,614,060 alleles (0.00019%); highest among the groups gnomAD compares: Admixed American, 0.0017%; no homozygotes.

Submissions (2):

Labcorp Genetics (formerly Invitae), Labcorp
Classification: Uncertain significance for Gorlin syndrome. Last evaluated: 2024-09-09. Review status: criteria provided, single submitter. Criteria: Invitae Variant Classification Sherloc (09022015). Collection method: clinical testing. Allele origin: germline.
Comment: This sequence change falls in intron 22 of the PTCH1 gene. It does not directly change the encoded amino acid sequence of the PTCH1 protein. It affects a nucleotide within the consensus splice site. This variant is not present in population databases (gnomAD no frequency). This variant has not been reported in the literature in individuals affected with PTCH1-related conditions. ClinVar contains an entry for this variant (Variation ID: 574689). Variants that disrupt the consensus splice site are a relatively common cause of aberrant splicing (PMID: 17576681, 9536098). Algorithms developed to predict the effect of sequence changes on RNA splicing suggest that this variant is not likely to affect RNA splicing. In summary, the available evidence is currently insufficient to determine the role of this variant in disease. Therefore, it has been classified as a Variant of Uncertain Significance.

GeneDx
Classification: Uncertain significance. Last evaluated: 2019-08-28. Review status: criteria provided, single submitter. Criteria: GeneDx Variant Classification Process June 2021. Collection method: clinical testing. Allele origin: germline. Affected: yes.
Comment: Not observed in large population cohorts (Lek et al., 2016); Has not been previously published as pathogenic or benign to our knowledge; In-silico analysis, which includes splice predictors and evolutionary conservation, is inconclusive as to whether the variant alters gene splicing. In the absence of RNA/functional studies, the actual effect of this sequence change is unknown.

Literature cited by the submitters: PubMed 17576681 (cited by Labcorp Genetics (formerly Invitae), Labcorp); PubMed 9536098 (cited by Labcorp Genetics (formerly Invitae), Labcorp).

NM_000264.5(PTCH1):c.3804+6T>G

Gene: PTCH1 (patched 1; minus strand). Cytogenetic location: 9q22.32.
Variant type: single nucleotide variant.
Coding change: c.3804+6T>G on transcript NM_000264.5 (MANE Select); 6 bases into the intron after coding-DNA position 3804, T replaced by G.
Molecular consequence: intron variant.
Genome position (GRCh38, 1-based): chr9:95,449,063, A>C on the plus strand (T>G on the coding strand, the complement: PTCH1 is on the minus strand). VCF-style: chr9-95449063-A-C. GRCh37 (hg19) VCF-style: chr9-98211345-A-C.
Other names: c.3801+6T>G (NM_001083603.3); c.3606+6T>G (NM_001083602.3); c.3648+6T>G (NM_001354918.2); c.3351+6T>G (NM_001083605.3, NM_001083604.3, NM_001083606.3 and 1 more transcripts).
Identifiers: ClinVar variation 574689 (VCV000574689.11), dbSNP rs1298248967, ClinGen allele CA868797805.